The following is an entry in ClinVar:

ClinVar aggregate classification (germline): Uncertain significance (1 of 4 stars; one submission).

gnomAD v4.1: 19 of 1,526,046 alleles (0.0012%); highest among the groups gnomAD compares: Admixed American, 0.037%; no homozygotes.

Submission:

Labcorp Genetics (formerly Invitae), Labcorp
Classification: Uncertain significance. Last evaluated: 2025-06-27. Review status: criteria provided, single submitter. Criteria: Invitae Variant Classification Sherloc (09022015). Collection method: clinical testing. Allele origin: germline.
Comment: This sequence change replaces alanine, which is neutral and non-polar, with valine, which is neutral and non-polar, at codon 279 of the GREB1L protein (p.Ala279Val). This variant is present in population databases (no rsID available, gnomAD 0.03%). This variant has not been reported in the literature in individuals affected with GREB1L-related conditions. An algorithm developed to predict the effect of missense changes on protein structure and function (PolyPhen-2) suggests that this variant is likely to be tolerated. In summary, the available evidence is currently insufficient to determine the role of this variant in disease. Therefore, it has been classified as a Variant of Uncertain Significance.

NM_001142966.3(GREB1L):c.836C>T (p.Ala279Val)

Genes: GREB1L (GREB1 like retinoic acid receptor coactivator; plus strand), GREB1L-AS1 (GREB1L antisense RNA 1; minus strand). Cytogenetic location: 18q11.1.
Variant type: single nucleotide variant.
Coding change: c.836C>T on transcript NM_001142966.3 (MANE Select); coding-DNA position 836, C replaced by T.
Protein change: p.Ala279Val; replaces alanine 279 with valine.
Molecular consequence: missense variant.
Genome position (GRCh38, 1-based): chr18:21,439,524, C>T. VCF-style: chr18-21439524-C-T. GRCh37 (hg19) VCF-style: chr18-19019485-C-T.
Other names: c.965C>T, p.Ala322Val (NM_001410867.1); c.836C>T, p.Ala279Val (NM_001410868.1); short protein forms A322V, A279V.
Identifiers: ClinVar variation 4703652 (VCV004703652.1).